The following is an entry in ClinVar:

NM_000321.3(RB1):c.1039T>C (p.Ser347Pro)

Gene: RB1 (RB transcriptional corepressor 1; plus strand). Cytogenetic location: 13q14.2.
Variant type: single nucleotide variant.
Coding change: c.1039T>C on transcript NM_000321.3 (MANE Select); coding-DNA position 1039, T replaced by C.
Protein change: p.Ser347Pro; replaces serine 347 with proline.
Molecular consequence: missense variant.
Genome position (GRCh38, 1-based): chr13:48,367,593, T>C. VCF-style: chr13-48367593-T-C. GRCh37 (hg19) VCF-style: chr13-48941729-T-C.
Other names: c.1039T>C, p.Ser347Pro (NM_001407165.1, NM_001407166.1); short protein forms S347P.
Identifiers: ClinVar variation 3070823 (VCV003070823.2), dbSNP rs2542188690, ClinGen allele CA388160933.
Genomic context (GRCh38, chr13:48,367,593, plus strand): 5'-AAAAATAAAGATCTAGATGCAAGATTATTTTTGGATCATGATAAAACTCTTCAGACTGAT[T>C]CTATAGACAGGTATTGCACATGGTATATTTGATTGATTTGCTTTAGATATAGGTTGATAC-3'
Protein context (NP_000312.2, residues 337-357): LDHDKTLQTD[Ser347Pro]IDSFETQRTP

ClinVar aggregate classification (germline): Conflicting classifications of pathogenicity. Review status: criteria provided, conflicting classifications (1 of 4 stars). 2 submissions from 2 submitters: Uncertain significance (1); Likely benign (1). Last evaluated 2025-02-06.

Conditions:
Hereditary cancer-predisposing syndrome. Also called: Hereditary neoplastic syndrome; Hereditary Cancer Syndrome; Neoplastic Syndromes, Hereditary; Tumor predisposition. Identifiers: Orphanet 140162, MedGen C0027672, MeSH D009386, MONDO:0015356.
Retinoblastoma (RB1). Also called: RETINOBLASTOMA, SOMATIC. Identifiers: Orphanet 790, MedGen C0035335, MeSH D012175, MONDO:0008380, OMIM 180200, HP:0009919. Disease mechanism: loss of function. Inheritance: Both sporadic and heritable forms are tested..

Submissions (2):

Ambry Genetics
Classification: Likely benign for Hereditary cancer-predisposing syndrome. Last evaluated: 2025-02-06. Review status: criteria provided, single submitter. Criteria: Ambry Variant Classification Scheme 2023. Collection method: clinical testing. Allele origin: germline.

All of Us Research Program, National Institutes of Health
Classification: Uncertain significance for Retinoblastoma. Last evaluated: 2023-05-04. Review status: criteria provided, single submitter. Criteria: ACMG Guidelines, 2015. Collection method: clinical testing. Allele origin: germline. Inheritance: Autosomal dominant inheritance. Observed: 1 variant allele, 1 heterozygote.
Comment: This missense variant replaces serine with proline at codon 347 of the RB1 protein. Computational prediction suggests that this variant may not impact protein structure and function (internally defined REVEL score threshold <= 0.5, PMID: 27666373). To our knowledge, functional studies have not been reported for this variant. This variant has not been reported in individuals affected with RB1-related disorders in the literature. This variant has not been identified in the general population by the Genome Aggregation Database (gnomAD). The available evidence is insufficient to determine the role of this variant in disease conclusively. Therefore, this variant is classified as a Variant of Uncertain Significance.

This study involves interpretation of variants in research participants for the purpose of population health screening. Participant phenotype was not available at the time of variant classification. Additional details can be found in publication PMID: 35346344, PMCID: PMC8962531